The following is an entry in ClinVar:

NM_025136.4(OPA3):c.*152G>A

Genes: OPA3 (outer mitochondrial membrane lipid metabolism regulator OPA3; minus strand), OPA3-RTN2 (OPA3-RTN2 readthrough; minus strand). Cytogenetic location: 19q13.32.
Variant type: single nucleotide variant.
Coding change: c.*152G>A on transcript NM_025136.4 (MANE Select); 152 bases downstream of the stop codon, G replaced by A.
Molecular consequence: 3 prime UTR variant. On other transcripts: intron variant (1).
Genome position (GRCh38, 1-based): chr19:45,553,362, C>T on the plus strand (G>A on the coding strand, the complement: OPA3 is on the minus strand). VCF-style: chr19-45553362-C-T. GRCh37 (hg19) VCF-style: chr19-46056620-C-T.
Other names: c.143-23906G>A (NM_001017989.3).
Identifiers: ClinVar variation 329682 (VCV000329682.9), dbSNP rs3826861, ClinGen allele CA10643035.

ClinVar aggregate classification (germline): Benign. Review status: criteria provided, multiple submitters, no conflicts (2 of 4 stars). 4 submissions from 3 submitters: Benign (4). Last evaluated 2018-06-23.

Conditions:
3-Methylglutaconic aciduria type 3 (MGCA3). Also called: OPA3, AUTOSOMAL RECESSIVE; OPTIC ATROPHY 3, AUTOSOMAL RECESSIVE; Costeff Syndrome; OPA3-Related 3-Methylglutaconic Aciduria. Identifiers: Orphanet 67047, MedGen C0574084, MONDO:0009787, OMIM 258501.
Optic atrophy 3 (OPA3). Also called: OPTIC ATROPHY 3, AUTOSOMAL DOMINANT; Optic atrophy, cataract, and neurologic disorder; Optic atrophy 3 with cataract. Identifiers: Orphanet 67036, MedGen C1833809, MONDO:0008133, OMIM 165300.

Allele frequency attached by ClinVar (database versions not stated): gnomAD 0.66011 and 0.66267; TOPMed 0.66566; 1000 Genomes Project 30x 0.70534; 1000 Genomes Project 0.71066.
gnomAD v4.1: 986,418 of 1,533,534 alleles (64%); highest among the groups gnomAD compares: East Asian, 82%; 319,765 homozygotes.

Submissions (4):

GeneDx
Classification: Benign. Last evaluated: 2018-06-23. Review status: criteria provided, single submitter. Criteria: GeneDx Variant Classification Process June 2021. Collection method: clinical testing. Allele origin: germline. Affected: yes.

Illumina Laboratory Services, Illumina
Classification: Benign for Optic atrophy 3. Last evaluated: 2018-01-13. Review status: criteria provided, single submitter. Criteria: ICSL Variant Classification Criteria 13 December 2019. Collection method: clinical testing. Allele origin: germline.
Comment: This variant was observed in the ICSL laboratory as part of a predisposition screen in an ostensibly healthy population. It had not been previously curated by ICSL or reported in the Human Gene Mutation Database (HGMD: prior to June 1st, 2018), and was therefore a candidate for classification through an automated scoring system. Utilizing variant allele frequency, disease prevalence and penetrance estimates, and inheritance mode, an automated score was calculated to assess if this variant is too frequent to cause the disease. Based on the score and internal cut-off values, a variant classified as benign is not then subjected to further curation. The score for this variant resulted in a classification of benign for this disease.

Illumina Laboratory Services, Illumina
Classification: Benign for 3-Methylglutaconic aciduria type 3. Last evaluated: 2018-01-13. Review status: criteria provided, single submitter. Criteria: ICSL Variant Classification Criteria 13 December 2019. Collection method: clinical testing. Allele origin: germline.
Comment: the same text as in the submission from Illumina Laboratory Services, Illumina above.

Breakthrough Genomics
Classification: Benign. Review status: criteria provided, single submitter. Criteria: ACMG Guidelines, 2015. Collection method: not provided. Allele origin: germline. Inheritance: Autosomal recessive inheritance. Affected: yes.